The following is an entry in ClinVar:

ClinVar aggregate classification (germline): Pathogenic (1 of 4 stars; one submission).

Submission:

Labcorp Genetics (formerly Invitae), Labcorp
Classification: Pathogenic. Last evaluated: 2025-12-08. Review status: criteria provided, single submitter. Criteria: Invitae Variant Classification Sherloc (09022015). Collection method: clinical testing. Allele origin: germline.
Comment: This sequence change creates a premature translational stop signal (p.Leu583*) in the LEMD3 gene. It is expected to result in an absent or disrupted protein product. Loss-of-function variants in LEMD3 are known to be pathogenic (PMID: 15489854, 19438932). This variant is not present in population databases (gnomAD no frequency). This variant has not been reported in the literature in individuals affected with LEMD3-related conditions. For these reasons, this variant has been classified as Pathogenic.

Literature cited by the submitters: PubMed 15489854; PubMed 19438932.

NM_014319.5(LEMD3):c.1748del (p.Ile582_Leu583insTer)

Gene: LEMD3 (LEM domain containing 3; plus strand). Cytogenetic location: 12q14.3.
Variant type: Deletion.
Coding change: c.1748del on transcript NM_014319.5 (MANE Select); coding-DNA position 1748, one base deleted (T; older notation c.1748delT).
Protein change: p.Ile582_Leu583insTer.
Molecular consequence: nonsense.
Genome position (GRCh38, 1-based): chr12:65,238,554, T deleted; the last of 2 consecutive T bases (chr12:65,238,553-65,238,554); deleting either gives the same sequence. VCF-style (leftmost placement, unchanged base first): chr12-65238552-CT-C. GRCh37 (hg19) VCF-style: chr12-65632332-CT-C.
Other names: c.1745del, p.Ile581_Leu582insTer (NM_001167614.2).
Identifiers: ClinVar variation 4732782 (VCV004732782.1).